The following is an entry in ClinVar:

NM_024426.6(WT1):c.98C>A (p.Pro33Gln)

Genes: WT1 (WT1 transcription factor; minus strand), LOC107982234 (WT1/WT1-AS bi-directional promoter region; plus strand). Cytogenetic location: 11p13.
Variant type: single nucleotide variant.
Coding change: c.98C>A on transcript NM_024426.6 (MANE Select); coding-DNA position 98, C replaced by A.
Protein change: p.Pro33Gln; replaces proline 33 with glutamine.
Molecular consequence: missense variant. On other transcripts: non-coding transcript variant (2).
Genome position (GRCh38, 1-based): chr11:32,435,263, G>T on the plus strand (C>A on the coding strand, the complement: WT1 is on the minus strand). VCF-style: chr11-32435263-G-T. GRCh37 (hg19) VCF-style: chr11-32456809-G-T.
Other names: c.98C>A, p.Pro33Gln (NM_000378.6, NM_001407044.1, NM_001407045.1 and 6 more transcripts); c.83C>A, p.Pro28Gln (NM_024425.2); short protein forms P33Q, P28Q.
Identifiers: ClinVar variation 2945795 (VCV002945795.3), dbSNP rs2494488964, ClinGen allele CA379966391.
Genomic context (GRCh38, chr11:32,435,263, plus strand): 5'-GCCTCGGCGGCGCCTAACTTGGCCCAGATGCCGCCCGGGTCCCGGACTCCCTGCTGCTCT[G>T]GCTGCTGTAGGCACCCAGGCCCGGAGCGGAGCGTGTGCTGAGACGCCGGCTCCGGGACAC-3'
Protein context (NP_077744.4, residues 23-43): LRSGPGCLQQ[Pro33Gln]EQQGVRDPGG

ClinVar aggregate classification (germline): Uncertain significance (1 of 4 stars; one submission).

Conditions:
Frasier syndrome. Identifiers: Orphanet 347, MedGen C0950122, MeSH D052159, MONDO:0007635, OMIM 136680.
Drash syndrome (DDS). Also called: NEPHROPATHY, WILMS TUMOR, AND GENITAL ANOMALIES; WILMS TUMOR AND PSEUDO- OR TRUE HERMAPHRODITISM. Identifiers: Orphanet 220, MedGen C0950121, MONDO:0008682, OMIM 194080.
Wilms tumor 1 (WT1). Also called: Wilms tumor, somatic. Identifiers: Orphanet 654, MedGen CN033288, MONDO:0008679, OMIM 194070.
11p partial monosomy syndrome (WAGR). Also called: WAGR Spectrum Disorder; CHROMOSOME 11p13 DELETION SYNDROME; WAGR syndrome; WAGR Complex. Identifiers: Orphanet 893, MedGen C0206115, MONDO:0008681, OMIM 194072.

Submission:

Labcorp Genetics (formerly Invitae), Labcorp
Classification: Uncertain significance for Wilms tumor 1; Drash syndrome; 11p partial monosomy syndrome; Frasier syndrome. Last evaluated: 2023-03-26. Review status: criteria provided, single submitter. Criteria: Invitae Variant Classification Sherloc (09022015). Collection method: clinical testing. Allele origin: germline.
Comment: In summary, the available evidence is currently insufficient to determine the role of this variant in disease. Therefore, it has been classified as a Variant of Uncertain Significance. Algorithms developed to predict the effect of missense changes on protein structure and function output the following: SIFT: "Not Available"; PolyPhen-2: "Benign"; Align-GVGD: "Not Available". The glutamine amino acid residue is found in multiple mammalian species, which suggests that this missense change does not adversely affect protein function. This variant has not been reported in the literature in individuals affected with WT1-related conditions. This variant is not present in population databases (gnomAD no frequency). This sequence change replaces proline, which is neutral and non-polar, with glutamine, which is neutral and polar, at codon 28 of the WT1 protein (p.Pro28Gln).